The following is an entry in ClinVar:

ClinVar aggregate classification (germline): Uncertain significance. Review status: criteria provided, multiple submitters, no conflicts (2 of 4 stars). 2 submissions from 2 submitters: Uncertain significance (2). Last evaluated 2025-08-20.

Conditions:
Hereditary cancer-predisposing syndrome. Also called: Neoplastic Syndromes, Hereditary; Hereditary Cancer Syndrome; Hereditary neoplastic syndrome; Tumor predisposition. Identifiers: Orphanet 140162, MedGen C0027672, MeSH D009386, MONDO:0015356.

Submissions (2):

Ambry Genetics
Classification: Uncertain significance for Hereditary cancer-predisposing syndrome. Last evaluated: 2025-08-20. Review status: criteria provided, single submitter. Criteria: Ambry Variant Classification Scheme 2023. Collection method: clinical testing. Allele origin: germline.
Comment: The p.I387M variant (also known as c.1161A>G), located in coding exon 12 of the POLE gene, results from an A to G substitution at nucleotide position 1161. The isoleucine at codon 387 is replaced by methionine, an amino acid with highly similar properties. This amino acid position is conserved. In addition, this alteration is predicted to be tolerated by in silico analysis. Since supporting evidence is limited at this time, the clinical significance of this alteration remains unclear.

Labcorp Genetics (formerly Invitae), Labcorp
Classification: Uncertain significance. Last evaluated: 2025-05-19. Review status: criteria provided, single submitter. Criteria: Invitae Variant Classification Sherloc (09022015). Collection method: clinical testing. Allele origin: germline.
Comment: This sequence change replaces isoleucine, which is neutral and non-polar, with methionine, which is neutral and non-polar, at codon 387 of the POLE protein (p.Ile387Met). This variant is not present in population databases (gnomAD no frequency). This variant has not been reported in the literature in individuals affected with POLE-related conditions. ClinVar contains an entry for this variant (Variation ID: 2047597). Invitae Evidence Modeling of protein sequence and biophysical properties (such as structural, functional, and spatial information, amino acid conservation, physicochemical variation, residue mobility, and thermodynamic stability) indicates that this missense variant is expected to disrupt POLE protein function with a positive predictive value of 80%. In summary, the available evidence is currently insufficient to determine the role of this variant in disease. Therefore, it has been classified as a Variant of Uncertain Significance.

NM_006231.4(POLE):c.1161A>G (p.Ile387Met)

Gene: POLE (DNA polymerase epsilon, catalytic subunit; minus strand). Cytogenetic location: 12q24.33.
Variant type: single nucleotide variant.
Coding change: c.1161A>G on transcript NM_006231.4 (MANE Select); coding-DNA position 1161, A replaced by G.
Protein change: p.Ile387Met; replaces isoleucine 387 with methionine.
Molecular consequence: missense variant.
Genome position (GRCh38, 1-based): chr12:132,675,463, T>C on the plus strand (A>G on the coding strand, the complement: POLE is on the minus strand). VCF-style: chr12-132675463-T-C. GRCh37 (hg19) VCF-style: chr12-133252049-T-C.
Other names: c.1161A>G (NM_006231.2); short protein forms I387M.
Identifiers: ClinVar variation 2047597 (VCV002047597.5), dbSNP rs2542158651, ClinGen allele CA387360954.